The following is an entry in ClinVar:

NM_022042.4(SLC26A1):c.1391G>A (p.Trp464Ter)

Genes: IDUA (alpha-L-iduronidase; plus strand), SLC26A1 (solute carrier family 26 member 1; minus strand). Cytogenetic location: 4p16.3.
Variant type: single nucleotide variant.
Coding change: c.1391G>A on transcript NM_022042.4 (MANE Select); coding-DNA position 1391, G replaced by A.
Protein change: p.Trp464Ter; replaces tryptophan 464 with a stop codon.
Molecular consequence: nonsense. On other transcripts: intron variant (2).
Genome position (GRCh38, 1-based): chr4:989,548, C>T on the plus strand (G>A on the coding strand, the complement: SLC26A1 is on the minus strand). VCF-style: chr4-989548-C-T. GRCh37 (hg19) VCF-style: chr4-983336-C-T.
Other names: c.1391G>A, p.Trp464Ter (NM_213613.4); c.576+1580G>A (NM_134425.4); c.299+1599C>T (NM_000203.5); short protein forms W464*.
Identifiers: ClinVar variation 4726689 (VCV004726689.1).

ClinVar aggregate classification (germline): Uncertain significance (1 of 4 stars; one submission).

Submission:

Labcorp Genetics (formerly Invitae), Labcorp
Classification: Uncertain significance. Last evaluated: 2025-09-10. Review status: criteria provided, single submitter. Criteria: Invitae Variant Classification Sherloc (09022015). Collection method: clinical testing. Allele origin: germline.
Comment: This sequence change creates a premature translational stop signal (p.Trp464*) in the SLC26A1 gene. While this is not anticipated to result in nonsense mediated decay, it is expected to disrupt the last 238 amino acid(s) of the SLC26A1 protein. This variant is not present in population databases (gnomAD no frequency). This variant has not been reported in the literature in individuals affected with SLC26A1-related conditions. Experimental studies and prediction algorithms are not available or were not evaluated, and the functional significance of this variant is currently unknown. In summary, the available evidence is currently insufficient to determine the role of this variant in disease. Therefore, it has been classified as a Variant of Uncertain Significance.